The following is an entry in ClinVar:

NM_001042492.3(NF1):c.436A>G (p.Ser146Gly)

Gene: NF1 (neurofibromin 1; plus strand). Cytogenetic location: 17q11.2.
Variant type: single nucleotide variant.
Coding change: c.436A>G on transcript NM_001042492.3 (MANE Select); coding-DNA position 436, A replaced by G.
Protein change: p.Ser146Gly; replaces serine 146 with glycine.
Molecular consequence: missense variant.
Genome position (GRCh38, 1-based): chr17:31,163,333, A>G. VCF-style: chr17-31163333-A-G. GRCh37 (hg19) VCF-style: chr17-29490351-A-G.
Other names: c.436A>G, p.Ser146Gly (NM_000267.4, NM_001128147.3); short protein forms S146G.
Identifiers: ClinVar variation 1416872 (VCV001416872.6), dbSNP rs2143673178, ClinGen allele CA398981943.
Genomic context (GRCh38, chr17:31,163,333, plus strand): 5'-GAAGGAAACCAGCATGCAGCTGAACTTCGGAATTCTGCCTCTGGGGTTTTATTTTCTCTC[A>G]GCTGCAACAACTTCAATGCAGTCTTTAGTCGCATTTCTACCAGGTTAGTGTGTAAATCCA-3'
Protein context (NP_001035957.1, residues 136-156): NSASGVLFSL[Ser146Gly]CNNFNAVFSR

ClinVar aggregate classification (germline): Uncertain significance (1 of 4 stars; one submission).

Conditions:
Neurofibromatosis, type 1 (NF1). Also called: Peripheral type neurofibromatosis; Neurofibromatosis, type I; VON RECKLINGHAUSEN DISEASE; NEUROFIBROMATOSIS, TYPE I, SOMATIC. Identifiers: Orphanet 636, MedGen C0027831, MONDO:0018975, OMIM 162200. Disease mechanism: loss of function.

Submission:

Labcorp Genetics (formerly Invitae), Labcorp
Classification: Uncertain significance for Neurofibromatosis, type 1. Last evaluated: 2021-09-28. Review status: criteria provided, single submitter. Criteria: Invitae Variant Classification Sherloc (09022015). Collection method: clinical testing. Allele origin: germline.
Comment: In summary, the available evidence is currently insufficient to determine the role of this variant in disease. Therefore, it has been classified as a Variant of Uncertain Significance. Advanced modeling of protein sequence and biophysical properties (such as structural, functional, and spatial information, amino acid conservation, physicochemical variation, residue mobility, and thermodynamic stability) performed at Invitae indicates that this missense variant is expected to disrupt NF1 protein function. This variant has not been reported in the literature in individuals affected with NF1-related conditions. This variant is not present in population databases (ExAC no frequency). This sequence change replaces serine with glycine at codon 146 of the NF1 protein (p.Ser146Gly). The serine residue is highly conserved and there is a small physicochemical difference between serine and glycine.